The following is an entry in ClinVar:

NM_001478.5(B4GALNT1):c.909C>A (p.Tyr303Ter)

Gene: B4GALNT1 (beta-1,4-N-acetyl-galactosaminyltransferase 1; minus strand). Cytogenetic location: 12q13.3.
Variant type: single nucleotide variant.
Coding change: c.909C>A on transcript NM_001478.5 (MANE Select); coding-DNA position 909, C replaced by A.
Protein change: p.Tyr303Ter; replaces tyrosine 303 with a stop codon.
Molecular consequence: nonsense.
Genome position (GRCh38, 1-based): chr12:57,628,806, G>T on the plus strand (C>A on the coding strand, the complement: B4GALNT1 is on the minus strand). VCF-style: chr12-57628806-G-T. GRCh37 (hg19) VCF-style: chr12-58022589-G-T.
Other names: c.744C>A, p.Tyr248Ter (NM_001276468.2, NM_001413978.1); c.909C>A, p.Tyr303Ter (NM_001413967.1, NM_001413968.1, NM_001413969.1 and 7 more transcripts); c.810C>A, p.Tyr270Ter (NM_001413977.1); c.-79C>A (NM_001413981.1, NM_001413982.1, NM_001413983.1 and 1 more transcripts); short protein forms Y270*, Y303*, Y248*.
Identifiers: ClinVar variation 2143659 (VCV002143659.4), dbSNP rs1296877590, ClinGen allele CA385496939.

ClinVar aggregate classification (germline): Pathogenic (1 of 4 stars; one submission).

Conditions:
Spastic paraplegia. Identifiers: MedGen C0037772, HP:0001258.

Allele frequency attached by ClinVar (database versions not stated): TOPMed 0.00002.

Submission:

Labcorp Genetics (formerly Invitae), Labcorp
Classification: Pathogenic for Spastic paraplegia. Last evaluated: 2022-11-01. Review status: criteria provided, single submitter. Criteria: Invitae Variant Classification Sherloc (09022015). Collection method: clinical testing. Allele origin: germline.
Comment: This sequence change creates a premature translational stop signal (p.Tyr303*) in the B4GALNT1 gene. It is expected to result in an absent or disrupted protein product. Loss-of-function variants in B4GALNT1 are known to be pathogenic (PMID: 23746551). This variant is not present in population databases (gnomAD no frequency). This variant has not been reported in the literature in individuals affected with B4GALNT1-related conditions. For these reasons, this variant has been classified as Pathogenic.

Literature cited by the submitters: PubMed 23746551.